The following is an entry in ClinVar:

NM_004553.6(NDUFS6):c.320_323del (p.Thr107fs)

Gene: NDUFS6 (NADH:ubiquinone oxidoreductase subunit S6; plus strand). Cytogenetic location: 5p15.33.
Variant type: Deletion.
Coding change: c.320_323del on transcript NM_004553.6 (MANE Select); coding-DNA positions 320 to 323, 4 bases deleted (CAAA; older notation c.320_323delCAAA).
Protein change: p.Thr107fs; shifts the reading frame from threonine 107.
Molecular consequence: frameshift variant.
Genome position (GRCh38, 1-based): chr5:1,815,861-1,815,864, CAAA deleted; deleting any 4 consecutive bases within chr5:1,815,858-1,815,864 gives the same sequence; the c. name uses the placement nearest the transcript's 3' end. VCF-style (leftmost placement, unchanged base first): chr5-1815857-GAAAC-G. GRCh37 (hg19) VCF-style: chr5-1815971-GAAAC-G.
Other names: c.320_323del (NM_004553.4); short protein forms T107fs.
Identifiers: ClinVar variation 2141323 (VCV002141323.7), dbSNP rs1734300591, ClinGen allele CA1522838347.
Genomic context (GRCh38, chr5:1,815,857, plus strand): 5'-TAGATTTGAAGTAGAATATGGAAATATGACATCATTCCTTTTGAATTTTTTCAGGACAAA[GAAAC>G]AAAAACCGGCACATGCGGTTACTGTGGGCTCCAGTTCAGACAGCACCACCACTAGAGCGT-3'

ClinVar aggregate classification (germline): Pathogenic/Likely pathogenic. Review status: criteria provided, multiple submitters, no conflicts (2 of 4 stars). 3 submissions from 3 submitters: Pathogenic (2); Likely pathogenic (1). Last evaluated 2025-12-10.

Conditions:
Mitochondrial complex I deficiency, nuclear type 9. Also called: Mitochondrial complex 1 deficiency, nuclear type 9. Identifiers: MedGen C4748767, MONDO:0032615, OMIM 618232.
Mitochondrial complex I deficiency. Also called: NADH:Q(1) OXIDOREDUCTASE DEFICIENCY. Identifiers: Orphanet 2609, MedGen C1838979, MeSH C537475, MONDO:0100133.

Submissions (3):

Natera, Inc.
Classification: Likely pathogenic for Mitochondrial complex I deficiency. Last evaluated: 2025-12-10. Review status: criteria provided, single submitter. Criteria: Natera Variant Classification Schema (03/2026). Collection method: clinical testing. Allele origin: germline.
Comment: The c.320_323del variant in NDUFS6 is a frameshift variant predicted to elongate the protein beyond the termination codon. This variant is expected to result in nonsense mediated decay, truncation, or a dysfunctional protein product. This variant is rare in the general population with a frequency below the threshold expected for the associated phenotype(s). This variant has been observed in one or more individuals affected with the associated recessive disease, as either homozygous or compound heterozygous with a second variant (PMID: 33629572). Given the available evidence, this variant is classified as Likely Pathogenic.

Baylor Genetics
Classification: Pathogenic for Mitochondrial complex I deficiency, nuclear type 9. Last evaluated: 2023-11-13. Review status: criteria provided, single submitter. Criteria: ACMG Guidelines, 2015. Collection method: clinical testing. Allele origin: unknown.

Labcorp Genetics (formerly Invitae), Labcorp
Classification: Pathogenic. Last evaluated: 2022-10-28. Review status: criteria provided, single submitter. Criteria: Invitae Variant Classification Sherloc (09022015). Collection method: clinical testing. Allele origin: germline.
Comment: This sequence change results in a frameshift in the NDUFS6 gene (p.Thr107Lysfs*40). While this is not anticipated to result in nonsense mediated decay, it is expected to disrupt the last 18 amino acid(s) of the NDUFS6 protein and extend the protein by 21 additional amino acid residues. This variant is not present in population databases (gnomAD no frequency). This variant has not been reported in the literature in individuals affected with NDUFS6-related conditions. This variant disrupts a region of the NDUFS6 protein in which other variant(s) (p.Lys108Asnfs*30) have been determined to be pathogenic (Invitae). This suggests that this is a clinically significant region of the protein, and that variants that disrupt it are likely to be disease-causing. For these reasons, this variant has been classified as Pathogenic.

Literature cited by the submitters: PubMed 33629572 (cited by Natera, Inc.).